The following is an entry in ClinVar:

ClinVar aggregate classification (germline): Pathogenic/Likely pathogenic. Review status: criteria provided, multiple submitters, no conflicts (2 of 4 stars). 3 submissions from 3 submitters: Pathogenic (2); Likely pathogenic (1). Last evaluated 2023-11-05.

Conditions:
Meckel-Gruber syndrome. Also called: Dysencephalia splachnocystica; DYSENCEPHALIA SPLANCHNOCYSTICA; GRUBER SYNDROME. Identifiers: Orphanet 564, MedGen C0265215, MONDO:0018921.
Nephronophthisis. Also called: Juvenile Nephronophthisis. Identifiers: Orphanet 655, MedGen C0687120, MONDO:0019005, HP:0000090.
Joubert syndrome. Also called: Familial aplasia of the vermis; JOUBERT-BOLTSHAUSER SYNDROME. Identifiers: Orphanet 475, MedGen C5979921, MONDO:0018772.
Retinal dystrophy. Also called: Inherited retinal dystrophy. Identifiers: Orphanet 71862, MedGen C0854723, MeSH D058499, MONDO:0019118, HP:0000556.

Allele frequency attached by ClinVar (database versions not stated): gnomAD exomes below 0.00001; TOPMed below 0.00001.

Submissions (3):

Labcorp Genetics (formerly Invitae), Labcorp
Classification: Pathogenic for Joubert syndrome; Meckel-Gruber syndrome; Nephronophthisis. Last evaluated: 2023-11-05. Review status: criteria provided, single submitter. Criteria: Invitae Variant Classification Sherloc (09022015). Collection method: clinical testing. Allele origin: germline.
Comment: This sequence change affects the initiator methionine of the CEP290 mRNA. The next in-frame methionine is located at codon 11. This variant is not present in population databases (gnomAD no frequency). Disruption of the initiator codon has been observed in individuals with CEP290-related conditions (PMID: 17345604, 21866095). ClinVar contains an entry for this variant (Variation ID: 871410). This variant disrupts a region of the CEP290 protein in which other variant(s) (p.Trp7Cys) have been determined to be pathogenic (PMID: 16682970, 27422788, 28844315, 32581362). This suggests that this is a clinically significant region of the protein, and that variants that disrupt it are likely to be disease-causing. For these reasons, this variant has been classified as Pathogenic.

CeGaT Center for Human Genetics Tuebingen
Classification: Likely pathogenic. Last evaluated: 2023-08-01. Review status: criteria provided, single submitter. Criteria: CeGaT Center For Human Genetics Tuebingen Variant Classification Criteria Version 2. Collection method: clinical testing. Allele origin: germline. Affected: yes. Observed: 2 variant alleles.
Comment: CEP290: PM2, PM3, PS1:Moderate, PVS1:Moderate

Institute of Human Genetics, Univ. Regensburg, Univ. Regensburg
Classification: Pathogenic for Retinal dystrophy. Last evaluated: 2021-01-01. Review status: criteria provided, single submitter. Criteria: ACMG Guidelines, 2015. Collection method: clinical testing. Allele origin: germline. Affected: yes.

Literature cited by the submitters: PubMed 17345604 (cited by Labcorp Genetics (formerly Invitae), Labcorp); PubMed 21866095 (cited by Labcorp Genetics (formerly Invitae), Labcorp and Institute of Human Genetics, Univ. Regensburg, Univ. Regensburg); PubMed 16682970 (cited by Labcorp Genetics (formerly Invitae), Labcorp); PubMed 27422788 (cited by Labcorp Genetics (formerly Invitae), Labcorp); PubMed 28844315 (cited by Labcorp Genetics (formerly Invitae), Labcorp); PubMed 32581362 (cited by Labcorp Genetics (formerly Invitae), Labcorp); PubMed 17617513 (cited by Institute of Human Genetics, Univ. Regensburg, Univ. Regensburg); PubMed 25525159 (cited by Institute of Human Genetics, Univ. Regensburg, Univ. Regensburg); PubMed 32531858 (cited by Institute of Human Genetics, Univ. Regensburg, Univ. Regensburg).

NM_025114.4(CEP290):c.1A>G (p.Met1Val)

Gene: CEP290 (centrosomal protein 290; minus strand). Cytogenetic location: 12q21.32.
Variant type: single nucleotide variant.
Coding change: c.1A>G on transcript NM_025114.4 (MANE Select); coding-DNA position 1, A replaced by G.
Protein change: p.Met1Val; changes the start codon (methionine 1).
Molecular consequence: missense variant, initiator codon variant.
Genome position (GRCh38, 1-based): chr12:88,141,307, T>C on the plus strand (A>G on the coding strand, the complement: CEP290 is on the minus strand). VCF-style: chr12-88141307-T-C. GRCh37 (hg19) VCF-style: chr12-88535084-T-C.
Other names: short protein forms M1V.
Identifiers: ClinVar variation 871410 (VCV000871410.47), dbSNP rs2040644756, ClinGen allele CA385990599.